The following is an entry in ClinVar:

ClinVar aggregate classification (germline): Uncertain significance (1 of 4 stars; one submission).

Conditions:
Pitt-Hopkins-like syndrome 2 (PTHSL2). Identifiers: Orphanet 221150, Orphanet 600663, MedGen C3280479, MONDO:0013690, OMIM 614325.

Submission:

Labcorp Genetics (formerly Invitae), Labcorp
Classification: Uncertain significance for Pitt-Hopkins-like syndrome 2. Last evaluated: 2022-06-07. Review status: criteria provided, single submitter. Criteria: Invitae Variant Classification Sherloc (09022015). Collection method: clinical testing. Allele origin: germline.
Comment: This variant is not present in population databases (gnomAD no frequency). This sequence change replaces methionine, which is neutral and non-polar, with isoleucine, which is neutral and non-polar, at codon 147 of the NRXN1 protein (p.Met147Ile). This variant has not been reported in the literature in individuals affected with NRXN1-related conditions. Algorithms developed to predict the effect of missense changes on protein structure and function (SIFT, PolyPhen-2, Align-GVGD) all suggest that this variant is likely to be tolerated. In summary, the available evidence is currently insufficient to determine the role of this variant in disease. Therefore, it has been classified as a Variant of Uncertain Significance.

NM_001330078.2(NRXN1):c.441G>A (p.Met147Ile)

Gene: NRXN1 (neurexin 1; minus strand). Cytogenetic location: 2p16.3.
Variant type: single nucleotide variant.
Coding change: c.441G>A on transcript NM_001330078.2 (MANE Select); coding-DNA position 441, G replaced by A.
Protein change: p.Met147Ile; replaces methionine 147 with isoleucine.
Molecular consequence: missense variant.
Genome position (GRCh38, 1-based): chr2:51,027,833, C>T on the plus strand (G>A on the coding strand, the complement: NRXN1 is on the minus strand). VCF-style: chr2-51027833-C-T. GRCh37 (hg19) VCF-style: chr2-51254971-C-T.
Other names: c.441G>A, p.Met147Ile (NM_001135659.3, NM_001330077.2, NM_001330079.2 and 15 more transcripts); short protein forms M147I.
Identifiers: ClinVar variation 2128978 (VCV002128978.4), dbSNP rs2468077127, ClinGen allele CA346823990.